The following is an entry in ClinVar:

ClinVar aggregate classification (germline): Likely benign (1 of 4 stars; one submission).

Allele frequency attached by ClinVar (database versions not stated): gnomAD exomes below 0.00001.
gnomAD v4.1: 2 of 1,610,474 alleles (0.00012%); highest among the groups gnomAD compares: Middle Eastern, 0.017%; no homozygotes.

Submission:

CeGaT Center for Human Genetics Tuebingen
Classification: Likely benign. Last evaluated: 2023-12-01. Review status: criteria provided, single submitter. Criteria: CeGaT Center For Human Genetics Tuebingen Variant Classification Criteria Version 2. Collection method: clinical testing. Allele origin: germline. Affected: yes. Observed: 1 variant allele.
Comment: RAB18: PM2:Supporting, BP4, BP7

NM_021252.5(RAB18):c.117A>C (p.Ala39=)

Gene: RAB18 (RAB18, member RAS oncogene family; plus strand). Cytogenetic location: 10p12.1.
Variant type: single nucleotide variant.
Coding change: c.117A>C on transcript NM_021252.5 (MANE Select); coding-DNA position 117, A replaced by C.
Protein change: p.Ala39=; no amino-acid change (alanine 39 retained).
Molecular consequence: synonymous variant. On other transcripts: non-coding transcript variant (1).
Genome position (GRCh38, 1-based): chr10:27,509,923, A>C. VCF-style: chr10-27509923-A-C. GRCh37 (hg19) VCF-style: chr10-27798852-A-C.
Other names: c.117A>C, p.Ala39= (NM_001256410.2, NM_001256411.2, NM_001256412.2).
Identifiers: ClinVar variation 3026023 (VCV003026023.22), dbSNP rs2491605206, ClinGen allele CA468747924.